The following is an entry in ClinVar:

NM_000548.5(TSC2):c.1572C>G (p.Phe524Leu)

Gene: TSC2 (TSC complex subunit 2; plus strand). Cytogenetic location: 16p13.3.
Variant type: single nucleotide variant.
Coding change: c.1572C>G on transcript NM_000548.5 (MANE Select); coding-DNA position 1572, C replaced by G.
Protein change: p.Phe524Leu; replaces phenylalanine 524 with leucine.
Molecular consequence: missense variant.
Genome position (GRCh38, 1-based): chr16:2,064,400, C>G. VCF-style: chr16-2064400-C-G. GRCh37 (hg19) VCF-style: chr16-2114401-C-G.
Other names: c.1572C>G, p.Phe524Leu (NM_001077183.3, NM_001114382.3, NM_001363528.2 and 3 more transcripts); c.1461C>G, p.Phe487Leu (NM_001318827.2); c.1425C>G, p.Phe475Leu (NM_001318829.2); c.972C>G, p.Phe324Leu (NM_001318831.2); c.1605C>G, p.Phe535Leu (NM_001318832.2); c.1572C>G (NM_000548.3); short protein forms F475L, F324L, F535L, F487L, F524L.
Identifiers: ClinVar variation 1470313 (VCV001470313.9), dbSNP rs2151191560, ClinGen allele CA394326637.
Genomic context (GRCh38, chr16:2,064,400, plus strand): 5'-CCGAAAGCTGGCCACCCAGTTGCTGGTGGACCTGGCAGAGGGCTGCCACACACACCACTT[C>G]AACAGCCTGCTGGACATCATCGAGAAGGTGAGAGCCGTTGTACCCGGGGCCGGGTGCTAG-3'
Protein context (NP_000539.2, residues 514-534): DLAEGCHTHH[Phe524Leu]NSLLDIIEKV

ClinVar aggregate classification (germline): Uncertain significance. Review status: criteria provided, multiple submitters, no conflicts (2 of 4 stars). 2 submissions from 2 submitters: Uncertain significance (2). Last evaluated 2025-06-16.

Conditions:
Hereditary cancer-predisposing syndrome. Also called: Neoplastic Syndromes, Hereditary; Hereditary Cancer Syndrome; Tumor predisposition; Hereditary neoplastic syndrome. Identifiers: Orphanet 140162, MedGen C0027672, MeSH D009386, MONDO:0015356.
Tuberous sclerosis 2 (TSC2). Identifiers: Orphanet 805, MedGen C1860707, MONDO:0013199, OMIM 613254.

Submissions (2):

Labcorp Genetics (formerly Invitae), Labcorp
Classification: Uncertain significance for Tuberous sclerosis 2. Last evaluated: 2025-06-16. Review status: criteria provided, single submitter. Criteria: Invitae Variant Classification Sherloc (09022015). Collection method: clinical testing. Allele origin: germline.
Comment: This sequence change replaces phenylalanine, which is neutral and non-polar, with leucine, which is neutral and non-polar, at codon 524 of the TSC2 protein (p.Phe524Leu). This variant is not present in population databases (gnomAD no frequency). This variant has not been reported in the literature in individuals affected with TSC2-related conditions. ClinVar contains an entry for this variant (Variation ID: 1470313). Invitae Evidence Modeling of protein sequence and biophysical properties (such as structural, functional, and spatial information, amino acid conservation, physicochemical variation, residue mobility, and thermodynamic stability) indicates that this missense variant is not expected to disrupt TSC2 protein function with a negative predictive value of 95%. In summary, the available evidence is currently insufficient to determine the role of this variant in disease. Therefore, it has been classified as a Variant of Uncertain Significance.

Ambry Genetics
Classification: Uncertain significance for Hereditary cancer-predisposing syndrome. Last evaluated: 2025-04-07. Review status: criteria provided, single submitter. Criteria: Ambry Variant Classification Scheme 2023. Collection method: clinical testing. Allele origin: germline.